The following is an entry in ClinVar:

NM_182931.3(KMT2E):c.2318C>T (p.Ser773Phe)

Gene: KMT2E (lysine methyltransferase 2E (inactive); plus strand). Cytogenetic location: 7q22.3.
Variant type: single nucleotide variant.
Coding change: c.2318C>T on transcript NM_182931.3 (MANE Select); coding-DNA position 2318, C replaced by T.
Protein change: p.Ser773Phe; replaces serine 773 with phenylalanine.
Molecular consequence: missense variant.
Genome position (GRCh38, 1-based): chr7:105,105,560, C>T. VCF-style: chr7-105105560-C-T. GRCh37 (hg19) VCF-style: chr7-104746007-C-T.
Other names: c.2318C>T, p.Ser773Phe (NM_001410908.1, NM_018682.4); short protein forms S773F.
Identifiers: ClinVar variation 3667300 (VCV003667300.2).

ClinVar aggregate classification (germline): Uncertain significance (1 of 4 stars; one submission).

Submission:

Labcorp Genetics (formerly Invitae), Labcorp
Classification: Uncertain significance. Last evaluated: 2024-12-03. Review status: criteria provided, single submitter. Criteria: Invitae Variant Classification Sherloc (09022015). Collection method: clinical testing. Allele origin: germline.
Comment: This sequence change replaces serine, which is neutral and polar, with phenylalanine, which is neutral and non-polar, at codon 773 of the KMT2E protein (p.Ser773Phe). This variant is not present in population databases (gnomAD no frequency). This variant has not been reported in the literature in individuals affected with KMT2E-related conditions. Invitae Evidence Modeling of protein sequence and biophysical properties (such as structural, functional, and spatial information, amino acid conservation, physicochemical variation, residue mobility, and thermodynamic stability) indicates that this missense variant is expected to disrupt KMT2E protein function with a positive predictive value of 80%. In summary, the available evidence is currently insufficient to determine the role of this variant in disease. Therefore, it has been classified as a Variant of Uncertain Significance.